The following is an entry in ClinVar:

ClinVar aggregate classification (germline): Uncertain significance (1 of 4 stars; one submission).

Allele frequency attached by ClinVar (database versions not stated): gnomAD exomes 0.00002; ExAC 0.00004.
gnomAD v4.1: 10 of 1,614,232 alleles (0.00062%); highest among the groups gnomAD compares: Non-Finnish European, 0.00085%; no homozygotes.

Submission:

Labcorp Genetics (formerly Invitae), Labcorp
Classification: Uncertain significance. Last evaluated: 2022-09-06. Review status: criteria provided, single submitter. Criteria: Invitae Variant Classification Sherloc (09022015). Collection method: clinical testing. Allele origin: germline.
Comment: This variant is present in population databases (rs753624739, gnomAD 0.004%). This variant has not been reported in the literature in individuals affected with DSG1-related conditions. ClinVar contains an entry for this variant (Variation ID: 1366389). Algorithms developed to predict the effect of missense changes on protein structure and function output the following: SIFT: "Tolerated"; PolyPhen-2: "Benign"; Align-GVGD: "Class C0". The isoleucine amino acid residue is found in multiple mammalian species, which suggests that this missense change does not adversely affect protein function. In summary, the available evidence is currently insufficient to determine the role of this variant in disease. Therefore, it has been classified as a Variant of Uncertain Significance. This sequence change replaces methionine, which is neutral and non-polar, with isoleucine, which is neutral and non-polar, at codon 939 of the DSG1 protein (p.Met939Ile).

NM_001942.4(DSG1):c.2817G>T (p.Met939Ile)

Genes: DSG1 (desmoglein 1; plus strand), DSG1-AS1 (DSG1 antisense RNA 1; minus strand). Cytogenetic location: 18q12.1.
Variant type: single nucleotide variant.
Coding change: c.2817G>T on transcript NM_001942.4 (MANE Select); coding-DNA position 2817, G replaced by T.
Protein change: p.Met939Ile; replaces methionine 939 with isoleucine.
Molecular consequence: missense variant.
Genome position (GRCh38, 1-based): chr18:31,355,013, G>T. VCF-style: chr18-31355013-G-T. GRCh37 (hg19) VCF-style: chr18-28934976-G-T.
Other names: short protein forms M939I.
Identifiers: ClinVar variation 1366389 (VCV001366389.8), dbSNP rs753624739, ClinGen allele CA8926453.
Genomic context (GRCh38, chr18:31,355,013, plus strand): 5'-TGTGGTAGTGACAGAAAGAGTAATCCAACCAACTTCCGGCATGATAGGTAGTCTGAGTAT[G>T]CACCCCGAGTTAGCCAATGCCCACAATGTCATTGTGACAGAGAGGGTTGTTTCTGGTGCT-3'
Protein context (NP_001933.2, residues 929-949): PTSGMIGSLS[Met939Ile]HPELANAHNV